The following is an entry in ClinVar:

ClinVar aggregate classification (germline): Uncertain significance (1 of 4 stars; one submission).

gnomAD v4.1: 4 of 1,613,996 alleles (0.00025%); highest among the groups gnomAD compares: African/African-American, 0.0013%; no homozygotes.

Submission:

Ambry Genetics
Classification: Uncertain significance. Last evaluated: 2025-02-03. Review status: criteria provided, single submitter. Criteria: Ambry Variant Classification Scheme 2023. Collection method: clinical testing. Allele origin: germline.
Comment: The p.H621D variant (also known as c.1861C>G), located in coding exon 2 of the CDK12 gene, results from a C to G substitution at nucleotide position 1861. The histidine at codon 621 is replaced by aspartic acid, an amino acid with similar properties. This amino acid position is conserved. In addition, the in silico prediction for this alteration is inconclusive. Based on the available evidence, the clinical significance of this variant remains unclear.

NM_016507.4(CDK12):c.1861C>G (p.His621Asp)

Gene: CDK12 (cyclin dependent kinase 12; plus strand). Cytogenetic location: 17q12.
Variant type: single nucleotide variant.
Coding change: c.1861C>G on transcript NM_016507.4 (MANE Select); coding-DNA position 1861, C replaced by G.
Protein change: p.His621Asp; replaces histidine 621 with aspartic acid.
Molecular consequence: missense variant.
Genome position (GRCh38, 1-based): chr17:39,471,693, C>G. VCF-style: chr17-39471693-C-G. GRCh37 (hg19) VCF-style: chr17-37627946-C-G.
Other names: c.1861C>G, p.His621Asp (NM_015083.4); short protein forms H621D.
Identifiers: ClinVar variation 3830599 (VCV003830599.1).